The following is an entry in ClinVar:

NM_006231.4(POLE):c.3389G>A (p.Trp1130Ter)

Gene: POLE (DNA polymerase epsilon, catalytic subunit; minus strand). Cytogenetic location: 12q24.33.
Variant type: single nucleotide variant.
Coding change: c.3389G>A on transcript NM_006231.4 (MANE Select); coding-DNA position 3389, G replaced by A.
Protein change: p.Trp1130Ter; replaces tryptophan 1130 with a stop codon.
Molecular consequence: nonsense.
Genome position (GRCh38, 1-based): chr12:132,657,419, C>T on the plus strand (G>A on the coding strand, the complement: POLE is on the minus strand). VCF-style: chr12-132657419-C-T. GRCh37 (hg19) VCF-style: chr12-133234005-C-T.
Other names: short protein forms W1130*.
Identifiers: ClinVar variation 3650035 (VCV003650035.2).

ClinVar aggregate classification (germline): Pathogenic (1 of 4 stars; one submission).

Submission:

Labcorp Genetics (formerly Invitae), Labcorp
Classification: Pathogenic. Last evaluated: 2024-04-15. Review status: criteria provided, single submitter. Criteria: Invitae Variant Classification Sherloc (09022015). Collection method: clinical testing. Allele origin: germline.
Comment: This sequence change creates a premature translational stop signal (p.Trp1130*) in the POLE gene. It is expected to result in an absent or disrupted protein product. Loss-of-function variants in POLE are known to be pathogenic (PMID: 23230001, 25948378, 30503519). This variant is not present in population databases (gnomAD no frequency). This variant has not been reported in the literature in individuals affected with POLE-related conditions. For these reasons, this variant has been classified as Pathogenic.

Literature cited by the submitters: PubMed 23230001; PubMed 25948378; PubMed 30503519.